The following is an entry in ClinVar:

NM_024496.4(IRF2BPL):c.1834C>G (p.Pro612Ala)

Gene: IRF2BPL (interferon regulatory factor 2 binding protein like; minus strand). Cytogenetic location: 14q24.3.
Variant type: single nucleotide variant.
Coding change: c.1834C>G on transcript NM_024496.4 (MANE Select); coding-DNA position 1834, C replaced by G.
Protein change: p.Pro612Ala; replaces proline 612 with alanine.
Molecular consequence: missense variant.
Genome position (GRCh38, 1-based): chr14:77,025,959, G>C on the plus strand (C>G on the coding strand, the complement: IRF2BPL is on the minus strand). VCF-style: chr14-77025959-G-C. GRCh37 (hg19) VCF-style: chr14-77492302-G-C.
Other names: short protein forms P612A.
Identifiers: ClinVar variation 4056803 (VCV004056803.1).

ClinVar aggregate classification (germline): Uncertain significance (1 of 4 stars; one submission).

Conditions:
Neurodevelopmental disorder with regression, abnormal movements, loss of speech, and seizures. Identifiers: Orphanet 597623, MedGen C4748127, MONDO:0060759, OMIM 618088.

gnomAD v4.1: 1 of 1,601,638 alleles (0.000062%); highest among the groups gnomAD compares: Admixed American, 0.0017%; no homozygotes.

Submission:

Laboratorio de Genetica e Diagnostico Molecular, Hospital Israelita Albert Einstein
Classification: Uncertain significance for Neurodevelopmental disorder with regression, abnormal movements, loss of speech, and seizures. Last evaluated: 2025-04-11. Review status: criteria provided, single submitter. Criteria: ACMG Guidelines, 2015. Collection method: clinical testing. Allele origin: germline. Affected: yes.
Comment: ACMG classification criteria: PM2 supporting, BP4 supporting